The following is an entry in ClinVar:

ClinVar aggregate classification (germline): Pathogenic/Likely pathogenic. Review status: criteria provided, multiple submitters, no conflicts (2 of 4 stars). 3 submissions from 3 submitters: Pathogenic (1); Likely pathogenic (2). Last evaluated 2024-11-20.

Conditions:
ODAD1-related disorder. Also called: ODAD1-related condition.
Primary ciliary dyskinesia. Also called: Ciliary dyskinesia. Identifiers: Orphanet 244, MedGen C0008780, MONDO:0016575, HP:0012265.
Primary ciliary dyskinesia 20. Also called: CILIARY DYSKINESIA, PRIMARY, 20, WITH OR WITHOUT SITUS INVERSUS. Identifiers: Orphanet 244, MedGen C3540844, MONDO:0014030, OMIM 615067.

Allele frequency attached by ClinVar (database versions not stated): gnomAD exomes 0.00001.

Submissions (3):

PreventionGenetics, part of Exact Sciences
Classification: Likely pathogenic for ODAD1-related condition. Last evaluated: 2024-11-20. Review status: criteria provided, single submitter. Criteria: ACMG Guidelines, 2015. Collection method: clinical testing. Allele origin: germline.
Comment: The ODAD1 c.247C>T variant is predicted to result in premature protein termination (p.Gln83*). To our knowledge this variant has not been previously reported in literature. This variant is reported in 0.0041% of alleles in individuals of Latino descent in gnomAD. Nonsense variants in ODAD1 are expected to be pathogenic. This variant is interpreted as likely pathogenic.

Labcorp Genetics (formerly Invitae), Labcorp
Classification: Pathogenic for Primary ciliary dyskinesia. Last evaluated: 2024-10-24. Review status: criteria provided, single submitter. Criteria: Invitae Variant Classification Sherloc (09022015). Collection method: clinical testing. Allele origin: germline.
Comment: This sequence change creates a premature translational stop signal (p.Gln83*) in the CCDC114 gene. It is expected to result in an absent or disrupted protein product. Loss-of-function variants in CCDC114 are known to be pathogenic (PMID: 23261302, 23261303). This variant is present in population databases (no rsID available, gnomAD 0.004%). This variant has not been reported in the literature in individuals affected with CCDC114-related conditions. ClinVar contains an entry for this variant (Variation ID: 1682898). Algorithms developed to predict the effect of sequence changes on RNA splicing suggest that this variant may disrupt the consensus splice site. For these reasons, this variant has been classified as Pathogenic.

Servicio Canario de Salud, Hospital Universitario Nuestra Sra. de Candelaria
Classification: Likely pathogenic for Primary ciliary dyskinesia 20. Last evaluated: 2024-01-16. Review status: criteria provided, single submitter. Criteria: ACMG Guidelines, 2015. Collection method: clinical testing. Allele origin: unknown. Inheritance: Autosomal recessive inheritance. Affected: yes.
Comment: This variant has been identified together with the inframe deletion of exons 6 and 7 of the ODAD1 gene. This variant is not present in population databases (gnomAD no frequency). ClinVar contains an entry for this variant (Variation ID: 1682898) classified as pathogenic. To date there are no functional/experimental studies that evaluate the impact on protein. In summary, c.358C>T p.(Gln120Ter) ODAD1 variant meets our criteria to be classified as likely pathogenic based upon its absence from controls and the genotype-phenotype correlation in this patient.

Literature cited by the submitters: PubMed 23261302 (cited by Labcorp Genetics (formerly Invitae), Labcorp); PubMed 23261303 (cited by Labcorp Genetics (formerly Invitae), Labcorp).

NM_001364171.2(ODAD1):c.358C>T (p.Gln120Ter)

Gene: ODAD1 (outer dynein arm docking complex subunit 1; minus strand). Cytogenetic location: 19q13.33.
Variant type: single nucleotide variant.
Coding change: c.358C>T on transcript NM_001364171.2 (MANE Select); coding-DNA position 358, C replaced by T.
Protein change: p.Gln120Ter; replaces glutamine 120 with a stop codon.
Molecular consequence: nonsense.
Genome position (GRCh38, 1-based): chr19:48,318,389, G>A on the plus strand (C>T on the coding strand, the complement: ODAD1 is on the minus strand). VCF-style: chr19-48318389-G-A. GRCh37 (hg19) VCF-style: chr19-48821646-G-A.
Other names: c.247C>T, p.Gln83Ter (NM_144577.4); c.247C>T (NM_144577.3); short protein forms Q120*, Q83*.
Identifiers: ClinVar variation 1682898 (VCV001682898.6), dbSNP rs1179449592, ClinGen allele CA406665934.